The following is an entry in ClinVar:

ClinVar aggregate classification (germline): Pathogenic/Likely pathogenic. Review status: criteria provided, multiple submitters, no conflicts (2 of 4 stars). 2 submissions from 2 submitters: Pathogenic (1); Likely pathogenic (1). Last evaluated 2024-08-14.

Conditions:
Brain small vessel disease 1 with or without ocular anomalies (BSVD1). Also called: PORENCEPHALY, TYPE 1, AUTOSOMAL DOMINANT; BRAIN SMALL VESSEL DISEASE WITH HEMORRHAGE; GOULD SYNDROME 1; Brain small vessel disease with or without ocular anomalies. Identifiers: Orphanet 2940, Orphanet 36383, Orphanet 99810, MedGen C4755307, MONDO:0008289, OMIM 175780.

Submissions (2):

Labcorp Genetics (formerly Invitae), Labcorp
Classification: Likely pathogenic. Last evaluated: 2024-08-14. Review status: criteria provided, single submitter. Criteria: Invitae Variant Classification Sherloc (09022015). Collection method: clinical testing. Allele origin: germline.
Comment: This sequence change replaces glycine, which is neutral and non-polar, with arginine, which is basic and polar, at codon 1082 of the COL4A1 protein (p.Gly1082Arg). This variant is not present in population databases (gnomAD no frequency). This variant has not been reported in the literature in individuals affected with COL4A1-related conditions. An algorithm developed to predict the effect of missense changes on protein structure and function (PolyPhen-2) suggests that this variant is likely to be disruptive. This variant disrupts the triple helix domain of COL4A1. Glycine residues within the Gly-Xaa-Yaa repeats of the triple helix domain are required for the structure and stability of fibrillar collagens (PMID: 7695699, 8218237, 19344236). In COL4A1 variants affecting these glycine residues are significantly enriched in individuals with disease (PMID: 9016532, 17078022) compared to the general population (ExAC). In summary, the currently available evidence indicates that the variant is pathogenic, but additional data are needed to prove that conclusively. Therefore, this variant has been classified as Likely Pathogenic.

Clinical Genetics Service, Universitary Hospital 12 de Octubre
Classification: Pathogenic for Brain small vessel disease 1 with or without ocular anomalies. Review status: criteria provided, single submitter. Criteria: ACMG Guidelines, 2015. Collection method: clinical testing. Allele origin: de novo. Affected: yes.

Literature cited by the submitters: PubMed 7695699 (cited by Labcorp Genetics (formerly Invitae), Labcorp); PubMed 8218237 (cited by Labcorp Genetics (formerly Invitae), Labcorp); PubMed 19344236 (cited by Labcorp Genetics (formerly Invitae), Labcorp); PubMed 9016532 (cited by Labcorp Genetics (formerly Invitae), Labcorp); PubMed 17078022 (cited by Labcorp Genetics (formerly Invitae), Labcorp).

NM_001845.6(COL4A1):c.3244G>A (p.Gly1082Arg)

Gene: COL4A1 (collagen type IV alpha 1 chain; minus strand). Cytogenetic location: 13q34.
Variant type: single nucleotide variant.
Coding change: c.3244G>A on transcript NM_001845.6 (MANE Select); coding-DNA position 3244, G replaced by A.
Protein change: p.Gly1082Arg; replaces glycine 1082 with arginine.
Molecular consequence: missense variant.
Genome position (GRCh38, 1-based): chr13:110,174,704, C>T on the plus strand (G>A on the coding strand, the complement: COL4A1 is on the minus strand). VCF-style: chr13-110174704-C-T. GRCh37 (hg19) VCF-style: chr13-110827051-C-T.
Other names: c.3244G>A (NM_001845.5); short protein forms G1082R.
Identifiers: ClinVar variation 3645706 (VCV003645706.3).
Genomic context (GRCh38, chr13:110,174,704, plus strand): 5'-GAGACCCTTTAAGGCCTGGGGACCCTGGCATTCCTGGGATCCCAATGCTTCCTTTTTCTC[C>T]CTTCTCTCCAGGGCTTCCTGGGAAACCCGCTATCCCTTGATCTCCCTGCAAGTAAAAGTC-3'
Protein context (NP_001836.3, residues 1072-1092): AGFPGSPGEK[Gly1082Arg]EKGSIGIPGM